The following is an entry in ClinVar:

ClinVar aggregate classification (germline): Conflicting classifications of pathogenicity. Review status: criteria provided, conflicting classifications (1 of 4 stars). 2 submissions from 2 submitters: Likely pathogenic (1); Uncertain significance (1). Last evaluated 2023-10-03.

Conditions:
ADGRV1-related disorder. Also called: ADGRV1-related disorders; ADGRV1-related condition.

Allele frequency attached by ClinVar (database versions not stated): gnomAD exomes below 0.00001; ExAC 0.00001.
gnomAD v4.1: 3 of 1,606,662 alleles (0.00019%); highest among the groups gnomAD compares: Non-Finnish European, 0.00017%; no homozygotes.

Submissions (2):

Labcorp Genetics (formerly Invitae), Labcorp
Classification: Uncertain significance. Last evaluated: 2023-10-03. Review status: criteria provided, single submitter. Criteria: Invitae Variant Classification Sherloc (09022015). Collection method: clinical testing. Allele origin: germline.
Comment: This sequence change falls in intron 43 of the ADGRV1 gene. It does not directly change the encoded amino acid sequence of the ADGRV1 protein. It affects a nucleotide within the consensus splice site. This variant is present in population databases (rs762020486, gnomAD 0.0009%). This variant has been observed in individual(s) with clinical features of retinitis pigmentosa (Invitae). ClinVar contains an entry for this variant (Variation ID: 1005621). Variants that disrupt the consensus splice site are a relatively common cause of aberrant splicing (PMID: 17576681, 9536098). Algorithms developed to predict the effect of sequence changes on RNA splicing suggest that this variant may disrupt the consensus splice site. In summary, the available evidence is currently insufficient to determine the role of this variant in disease. Therefore, it has been classified as a Variant of Uncertain Significance.

Blueprint Genetics
Classification: Likely pathogenic for ADGRV1-related disorders. Last evaluated: 2020-08-26. Review status: criteria provided, single submitter. Criteria: ACMG Guidelines, 2015. Collection method: clinical testing. Allele origin: germline. Affected: yes. Observed: 2 variant alleles.

Literature cited by the submitters: PubMed 17576681 (cited by Labcorp Genetics (formerly Invitae), Labcorp); PubMed 9536098 (cited by Labcorp Genetics (formerly Invitae), Labcorp).

NM_032119.4(ADGRV1):c.9447+3A>T

Gene: ADGRV1 (adhesion G protein-coupled receptor V1; plus strand). Cytogenetic location: 5q14.3.
Variant type: single nucleotide variant.
Coding change: c.9447+3A>T on transcript NM_032119.4 (MANE Select); 3 bases into the intron after coding-DNA position 9447, A replaced by T.
Molecular consequence: intron variant.
Genome position (GRCh38, 1-based): chr5:90,716,732, A>T. VCF-style: chr5-90716732-A-T. GRCh37 (hg19) VCF-style: chr5-90012549-A-T.
Identifiers: ClinVar variation 1005621 (VCV001005621.9), dbSNP rs762020486, ClinGen allele CA3340496.
Genomic context (GRCh38, chr5:90,716,732, plus strand): 5'-TAAAGATCTGACTCCTTCCAAAGGCTATATTGTTTTAGAAGAAGGTGTTCGATTCAAGGT[A>T]CAGTAAGAAGCTTTAATGAGAATGGAAGTTTATCTTTAATATTTACAAAATAAATTTCTC-3'